The following is an entry in ClinVar:

NM_001042492.3(NF1):c.7444G>A (p.Asp2482Asn)

Gene: NF1 (neurofibromin 1; plus strand). Cytogenetic location: 17q11.2.
Variant type: single nucleotide variant.
Coding change: c.7444G>A on transcript NM_001042492.3 (MANE Select); coding-DNA position 7444, G replaced by A.
Protein change: p.Asp2482Asn; replaces aspartic acid 2482 with asparagine.
Molecular consequence: missense variant.
Genome position (GRCh38, 1-based): chr17:31,350,305, G>A. VCF-style: chr17-31350305-G-A. GRCh37 (hg19) VCF-style: chr17-29677323-G-A.
Other names: c.7381G>A, p.Asp2461Asn (NM_000267.4); short protein forms D2482N, D2461N.
Identifiers: ClinVar variation 1758620 (VCV001758620.5), dbSNP rs2151574641, ClinGen allele CA399017200.
Genomic context (GRCh38, chr17:31,350,305, plus strand): 5'-CTTCTTACTGATATTTCAATGGAAAATGTTCCTATGGATACATATCCCATTCATCATGGT[G>A]ACCCTTCCTATAGGTAAGTGGATTTACTCTCCTATAATTACATAATCATAATCAAGTTTC-3'
Protein context (NP_001035957.1, residues 2472-2492): PMDTYPIHHG[Asp2482Asn]PSYRTLKETQ

ClinVar aggregate classification (germline): Conflicting classifications of pathogenicity. Review status: criteria provided, conflicting classifications (1 of 4 stars). 2 submissions from 2 submitters: Uncertain significance (1); Likely benign (1). Last evaluated 2026-05-26.

Conditions:
Cardiovascular phenotype. Identifiers: MedGen CN230736.
Hereditary cancer-predisposing syndrome. Also called: Neoplastic Syndromes, Hereditary; Tumor predisposition; Hereditary Cancer Syndrome; Hereditary neoplastic syndrome. Identifiers: Orphanet 140162, MedGen C0027672, MeSH D009386, MONDO:0015356.
Neurofibromatosis, type 1 (NF1). Also called: Peripheral type neurofibromatosis; NEUROFIBROMATOSIS, TYPE I, SOMATIC; Neurofibromatosis, type I; VON RECKLINGHAUSEN DISEASE. Identifiers: Orphanet 636, MedGen C0027831, MONDO:0018975, OMIM 162200. Disease mechanism: loss of function.

Submissions (2):

Ambry Genetics
Classification: Likely benign for Cardiovascular phenotype; Hereditary cancer-predisposing syndrome. Last evaluated: 2026-05-26. Review status: criteria provided, single submitter. Criteria: Ambry Variant Classification Scheme 2023. Collection method: clinical testing. Allele origin: germline.

Labcorp Genetics (formerly Invitae), Labcorp
Classification: Uncertain significance for Neurofibromatosis, type 1. Last evaluated: 2024-07-28. Review status: criteria provided, single submitter. Criteria: Invitae Variant Classification Sherloc (09022015). Collection method: clinical testing. Allele origin: germline.
Comment: This sequence change replaces aspartic acid, which is acidic and polar, with asparagine, which is neutral and polar, at codon 2461 of the NF1 protein (p.Asp2461Asn). This variant is not present in population databases (gnomAD no frequency). This variant has not been reported in the literature in individuals affected with NF1-related conditions. ClinVar contains an entry for this variant (Variation ID: 1758620). Advanced modeling of protein sequence and biophysical properties (such as structural, functional, and spatial information, amino acid conservation, physicochemical variation, residue mobility, and thermodynamic stability) performed at Invitae indicates that this missense variant is not expected to disrupt NF1 protein function with a negative predictive value of 95%. In summary, the available evidence is currently insufficient to determine the role of this variant in disease. Therefore, it has been classified as a Variant of Uncertain Significance.